The following is an entry in ClinVar:

ClinVar aggregate classification (germline): Uncertain significance. Review status: criteria provided, multiple submitters, no conflicts (2 of 4 stars). 2 submissions from 2 submitters: Uncertain significance (2). Last evaluated 2025-12-16.

Conditions:
Inborn genetic diseases. Identifiers: MedGen C0950123, MeSH D030342.
Familial hemophagocytic lymphohistiocytosis 4 (FHL4). Also called: STX11-Related Familial Hemophagocytic Lymphohistiocytosis (STX11-fHLH). Identifiers: Orphanet 540, MedGen C1863728, MONDO:0011336, OMIM 603552.

Allele frequency attached by ClinVar (database versions not stated): TOPMed 0.00002.
gnomAD v4.1: 12 of 1,613,970 alleles (0.00074%); highest among the groups gnomAD compares: African/African-American, 0.0027%; no homozygotes.

Submissions (2):

Ambry Genetics
Classification: Uncertain significance for Inborn genetic diseases. Last evaluated: 2025-12-16. Review status: criteria provided, single submitter. Criteria: Ambry Variant Classification Scheme 2023. Collection method: clinical testing. Allele origin: germline.

Labcorp Genetics (formerly Invitae), Labcorp
Classification: Uncertain significance for Familial hemophagocytic lymphohistiocytosis 4. Last evaluated: 2021-08-27. Review status: criteria provided, single submitter. Criteria: Invitae Variant Classification Sherloc (09022015). Collection method: clinical testing. Allele origin: germline.
Comment: This sequence change replaces arginine with glutamine at codon 4 of the STX11 protein (p.Arg4Gln). The arginine residue is highly conserved and there is a small physicochemical difference between arginine and glutamine. This variant is present in population databases (rs375610231, ExAC 0.009%). This variant has not been reported in the literature in individuals affected with STX11-related conditions. Algorithms developed to predict the effect of missense changes on protein structure and function are either unavailable or do not agree on the potential impact of this missense change (SIFT: "Deleterious"; PolyPhen-2: "Probably Damaging"; Align-GVGD: "Class C0"). In summary, the available evidence is currently insufficient to determine the role of this variant in disease. Therefore, it has been classified as a Variant of Uncertain Significance.

NM_003764.4(STX11):c.11G>A (p.Arg4Gln)

Gene: STX11 (syntaxin 11; plus strand). Cytogenetic location: 6q24.2.
Variant type: single nucleotide variant.
Coding change: c.11G>A on transcript NM_003764.4 (MANE Select); coding-DNA position 11, G replaced by A.
Protein change: p.Arg4Gln; replaces arginine 4 with glutamine.
Molecular consequence: missense variant.
Genome position (GRCh38, 1-based): chr6:144,186,638, G>A. VCF-style: chr6-144186638-G-A. GRCh37 (hg19) VCF-style: chr6-144507775-G-A.
Other names: short protein forms R4Q.
Identifiers: ClinVar variation 950954 (VCV000950954.8), dbSNP rs375610231, ClinGen allele CA4031594.